The following is an entry in ClinVar:

ClinVar aggregate classification (germline): Uncertain significance (1 of 4 stars; one submission).

Conditions:
Combined oxidative phosphorylation defect type 14. Also called: Combined oxidative phosphorylation deficiency 14. Identifiers: Orphanet 319519, MedGen C4755312, MONDO:0013986, OMIM 614946.

Allele frequency attached by ClinVar (database versions not stated): gnomAD 0.00001; gnomAD exomes 0.00001; TOPMed 0.00001; ExAC 0.00002.
gnomAD v4.1: 9 of 1,613,244 alleles (0.00056%); highest among the groups gnomAD compares: East Asian, 0.0067%; no homozygotes.

Submission:

Labcorp Genetics (formerly Invitae), Labcorp
Classification: Uncertain significance for Combined oxidative phosphorylation defect type 14. Last evaluated: 2025-11-15. Review status: criteria provided, single submitter. Criteria: Invitae Variant Classification Sherloc (09022015). Collection method: clinical testing. Allele origin: germline.
Comment: This sequence change replaces arginine, which is basic and polar, with glutamine, which is neutral and polar, at codon 386 of the FARS2 protein (p.Arg386Gln). This variant is present in population databases (rs778309551, gnomAD 0.01%). This missense change has been observed in individual(s) with hypertrophic cardiomyopathy (PMID: 38362779). ClinVar contains an entry for this variant (Variation ID: 1385286). Invitae Evidence Modeling of protein sequence and biophysical properties (such as structural, functional, and spatial information, amino acid conservation, physicochemical variation, residue mobility, and thermodynamic stability) indicates that this missense variant is expected to disrupt FARS2 protein function with a positive predictive value of 95%. Experimental studies have shown that this missense change affects FARS2 function (PMID: 38362779). This variant disrupts the p.Arg386 amino acid residue in FARS2. Other variant(s) that disrupt this residue have been observed in individuals with FARS2-related conditions (PMID: 27549011), which suggests that this may be a clinically significant amino acid residue. In summary, the available evidence is currently insufficient to determine the role of this variant in disease. Therefore, it has been classified as a Variant of Uncertain Significance.

Literature cited by the submitters: PubMed 38362779; PubMed 27549011.

NM_006567.5(FARS2):c.1157G>A (p.Arg386Gln)

Gene: FARS2 (phenylalanyl-tRNA synthetase 2, mitochondrial; plus strand). Cytogenetic location: 6p25.1.
Variant type: single nucleotide variant.
Coding change: c.1157G>A on transcript NM_006567.5 (MANE Select); coding-DNA position 1157, G replaced by A.
Protein change: p.Arg386Gln; replaces arginine 386 with glutamine.
Molecular consequence: missense variant.
Genome position (GRCh38, 1-based): chr6:5,613,260, G>A. VCF-style: chr6-5613260-G-A. GRCh37 (hg19) VCF-style: chr6-5613493-G-A.
Other names: c.1157G>A, p.Arg386Gln (NM_001318872.2, NM_001374875.1, NM_001374876.1 and 4 more transcripts); c.1025G>A, p.Arg342Gln (NM_001375258.1); c.461G>A, p.Arg154Gln (NM_001375259.1, NM_001375260.1); short protein forms R386Q, R154Q, R342Q.
Identifiers: ClinVar variation 1385286 (VCV001385286.6), dbSNP rs778309551, ClinGen allele CA3623897.